The following is an entry in ClinVar:

NM_001374259.2(IL12RB2):c.919G>A (p.Asp307Asn)

Gene: IL12RB2 (interleukin 12 receptor subunit beta 2; plus strand). Cytogenetic location: 1p31.3.
Variant type: single nucleotide variant.
Coding change: c.919G>A on transcript NM_001374259.2 (MANE Select); coding-DNA position 919, G replaced by A.
Protein change: p.Asp307Asn; replaces aspartic acid 307 with asparagine.
Molecular consequence: missense variant. On other transcripts: non-coding transcript variant (2).
Genome position (GRCh38, 1-based): chr1:67,330,771, G>A. VCF-style: chr1-67330771-G-A. GRCh37 (hg19) VCF-style: chr1-67796454-G-A.
Other names: c.919G>A, p.Asp307Asn (NM_001258214.1, NM_001258215.1, NM_001258216.1 and 2 more transcripts); c.919G>A (NM_001559.2); short protein forms D307N.
Identifiers: ClinVar variation 1373147 (VCV001373147.9), dbSNP rs147156135, ClinGen allele CA900325.
Genomic context (GRCh38, chr1:67,330,771, plus strand): 5'-TTTACAGAATATGAATTTCAGATTTCCTCTAAGCTACATCTTTATAAGGGAAGTTGGAGT[G>A]ATTGGAGTGAATCATTGAGAGCACAAACACCAGAAGAAGGTATATGTCCAAAATATACAT-3'
Protein context (NP_001361188.1, residues 297-317): KLHLYKGSWS[Asp307Asn]WSESLRAQTP

ClinVar aggregate classification (germline): Uncertain significance. Review status: criteria provided, multiple submitters, no conflicts (2 of 4 stars). 2 submissions from 2 submitters: Uncertain significance (2). Last evaluated 2025-12-17.

Allele frequency attached by ClinVar (database versions not stated): gnomAD exomes 0.00003 and 0.00008; ExAC 0.00009; 1000 Genomes Project 0.00020; ESP Exome Variant Server 0.00038; gnomAD 0.00040 and 0.00041; TOPMed 0.00041; 1000 Genomes Project 30x 0.00047.
gnomAD v4.1: 105 of 1,571,738 alleles (0.0067%); highest among the groups gnomAD compares: African/African-American, 0.13%; no homozygotes.

Submissions (2):

Labcorp Genetics (formerly Invitae), Labcorp
Classification: Uncertain significance. Last evaluated: 2025-12-17. Review status: criteria provided, single submitter. Criteria: Invitae Variant Classification Sherloc (09022015). Collection method: clinical testing. Allele origin: germline.
Comment: This sequence change replaces aspartic acid, which is acidic and polar, with asparagine, which is neutral and polar, at codon 307 of the IL12RB2 protein (p.Asp307Asn). This variant is present in population databases (rs147156135, gnomAD 0.1%), and has an allele count higher than expected for a pathogenic variant. This variant has not been reported in the literature in individuals affected with IL12RB2-related conditions. ClinVar contains an entry for this variant (Variation ID: 1373147). An algorithm developed to predict the effect of missense changes on protein structure and function outputs the following: PolyPhen-2: "Benign". The asparagine amino acid residue is found in multiple mammalian species, which suggests that this missense change does not adversely affect protein function. In summary, the available evidence is currently insufficient to determine the role of this variant in disease. Therefore, it has been classified as a Variant of Uncertain Significance.

Ambry Genetics
Classification: Uncertain significance. Last evaluated: 2023-12-16. Review status: criteria provided, single submitter. Criteria: Ambry Variant Classification Scheme 2023. Collection method: clinical testing. Allele origin: germline.